The following is an entry in ClinVar:

NC_000001.11:g.(?_100240751)_(100240894_?)del

Gene: DBT (dihydrolipoamide branched chain transacylase E2; minus strand). Cytogenetic location: 1p21.2.
Variant type: Deletion.
Identifiers: ClinVar variation 830385 (VCV000830385.1).

ClinVar aggregate classification (germline): Pathogenic (1 of 4 stars; one submission).

Conditions:
Maple syrup urine disease (MSUD). Identifiers: Orphanet 511, MedGen C0024776, MeSH D008375, MONDO:0009563. Disease mechanism: loss of function.

Submission:

Labcorp Genetics (formerly Invitae), Labcorp
Classification: Pathogenic for Maple syrup urine disease. Last evaluated: 2019-12-01. Review status: criteria provided, single submitter. Criteria: Invitae Variant Classification Sherloc (09022015). Collection method: clinical testing. Allele origin: germline.
Comment: This variant is an out-of-frame deletion of the genomic region encompassing exon 2 of the DBT gene. This is expected to create a premature translational stop signal and result in an absent or disrupted protein product. A similar deletion has been reported in the literature (PMID: 22090376). Loss-of-function variants in DBT are known to be pathogenic (PMID: 16579849, 16786533). For these reasons, this variant has been classified as Pathogenic.

Literature cited by the submitters: PubMed 22090376.